The following is an entry in ClinVar:

NM_016151.4(TAOK2):c.2851C>A (p.Leu951Ile)

Gene: TAOK2 (TAO kinase 2; plus strand). Cytogenetic location: 16p11.2.
Variant type: single nucleotide variant.
Coding change: c.2851C>A on transcript NM_016151.4 (MANE Select); coding-DNA position 2851, C replaced by A.
Protein change: p.Leu951Ile; replaces leucine 951 with isoleucine.
Molecular consequence: missense variant. On other transcripts: intron variant (1).
Genome position (GRCh38, 1-based): chr16:29,987,123, C>A. VCF-style: chr16-29987123-C-A. GRCh37 (hg19) VCF-style: chr16-29998444-C-A.
Other names: c.2512C>A, p.Leu838Ile (NM_001252043.2); c.2232+619C>A (NM_004783.4); c.2851C>A (NM_016151.2); short protein forms L951I, L838I.
Identifiers: ClinVar variation 2160378 (VCV002160378.5), dbSNP rs750289878, ClinGen allele CA7998454.

ClinVar aggregate classification (germline): Uncertain significance. Review status: criteria provided, multiple submitters, no conflicts (2 of 4 stars). 2 submissions from 2 submitters: Uncertain significance (2). Last evaluated 2025-10-15.

gnomAD v4.1: 9 of 1,606,012 alleles (0.00056%); highest among the groups gnomAD compares: Middle Eastern, 0.05%; no homozygotes.

Submissions (2):

Ambry Genetics
Classification: Uncertain significance. Last evaluated: 2025-10-15. Review status: criteria provided, single submitter. Criteria: Ambry Variant Classification Scheme 2023. Collection method: clinical testing. Allele origin: germline.

Labcorp Genetics (formerly Invitae), Labcorp
Classification: Uncertain significance. Last evaluated: 2024-01-31. Review status: criteria provided, single submitter. Criteria: Invitae Variant Classification Sherloc (09022015). Collection method: clinical testing. Allele origin: germline.
Comment: This sequence change replaces leucine, which is neutral and non-polar, with isoleucine, which is neutral and non-polar, at codon 951 of the TAOK2 protein (p.Leu951Ile). The frequency data for this variant in the population databases is considered unreliable, as metrics indicate poor data quality at this position in the gnomAD database. This variant has not been reported in the literature in individuals affected with TAOK2-related conditions. ClinVar contains an entry for this variant (Variation ID: 2160378). An algorithm developed to predict the effect of missense changes on protein structure and function (PolyPhen-2) suggests that this variant is likely to be tolerated. In summary, the available evidence is currently insufficient to determine the role of this variant in disease. Therefore, it has been classified as a Variant of Uncertain Significance.